The following is an entry in ClinVar:

NM_005235.3(ERBB4):c.3824G>A (p.Arg1275Gln)

Gene: ERBB4 (erb-b2 receptor tyrosine kinase 4; minus strand). Cytogenetic location: 2q34.
Variant type: single nucleotide variant.
Coding change: c.3824G>A on transcript NM_005235.3 (MANE Select); coding-DNA position 3824, G replaced by A.
Protein change: p.Arg1275Gln; replaces arginine 1275 with glutamine.
Molecular consequence: missense variant.
Genome position (GRCh38, 1-based): chr2:211,383,718, C>T on the plus strand (G>A on the coding strand, the complement: ERBB4 is on the minus strand). VCF-style: chr2-211383718-C-T. GRCh37 (hg19) VCF-style: chr2-212248443-C-T.
Other names: c.3776G>A, p.Arg1259Gln (NM_001042599.2); short protein forms R1275Q, R1259Q.
Identifiers: ClinVar variation 1463600 (VCV001463600.6), dbSNP rs141902440, ClinGen allele CA2087358.

ClinVar aggregate classification (germline): Uncertain significance (1 of 4 stars; one submission).

Allele frequency attached by ClinVar (database versions not stated): gnomAD exomes 0.00001 and 0.00002; ExAC 0.00002; TOPMed 0.00002; gnomAD 0.00004; ESP Exome Variant Server 0.00008.
gnomAD v4.1: 21 of 1,613,890 alleles (0.0013%); highest among the groups gnomAD compares: African/African-American, 0.0067%; no homozygotes.

Submission:

Labcorp Genetics (formerly Invitae), Labcorp
Classification: Uncertain significance. Last evaluated: 2021-09-02. Review status: criteria provided, single submitter. Criteria: Invitae Variant Classification Sherloc (09022015). Collection method: clinical testing. Allele origin: germline.
Comment: This sequence change replaces arginine with glutamine at codon 1275 of the ERBB4 protein (p.Arg1275Gln). The arginine residue is moderately conserved and there is a small physicochemical difference between arginine and glutamine. This variant is present in population databases (rs141902440, ExAC 0.01%). This missense change has been observed in individual(s) with amyotrophic lateral sclerosis (Invitae). Algorithms developed to predict the effect of missense changes on protein structure and function are either unavailable or do not agree on the potential impact of this missense change (SIFT: "Deleterious"; PolyPhen-2: "Benign"; Align-GVGD: "Class C0"). This variant disrupts the p.Arg1275 amino acid residue in ERBB4. Other variant(s) that disrupt this residue have been determined to be pathogenic (PMID: 24119685). This suggests that this residue is clinically significant, and that variants that disrupt this residue are likely to be disease-causing. In summary, the available evidence is currently insufficient to determine the role of this variant in disease. Therefore, it has been classified as a Variant of Uncertain Significance.

Literature cited by the submitters: PubMed 24119685.